The following is an entry in ClinVar:

ClinVar aggregate classification (germline): Likely benign (1 of 4 stars; one submission).

Conditions:
Kindler syndrome (KNDLRS). Also called: BULLOUS ACROKERATOTIC POIKILODERMA OF KINDLER AND WEARY; POIKILODERMA, CONGENITAL, WITH BULLAE, WEARY TYPE; POIKILODERMA, HEREDITARY ACROKERATOTIC; Hereditary acrokeratotic poikiloderma of Weary; Poikiloderma of Kindler; Congenital bullous poikiloderma. Identifiers: Orphanet 2908, Orphanet 306539, MedGen C0406557, MONDO:0008260, OMIM 173650.

Allele frequency attached by ClinVar (database versions not stated): gnomAD exomes 0.00027; gnomAD 0.00184 and 0.00191; TOPMed 0.00213; 1000 Genomes Project 0.00379; 1000 Genomes Project 30x 0.00453.
gnomAD v4.1: 390 of 521,360 alleles (0.075%); highest among the groups gnomAD compares: African/African-American, 0.64%; 3 homozygotes.

Submission:

Illumina Laboratory Services, Illumina
Classification: Likely benign for Kindler syndrome. Last evaluated: 2018-01-12. Review status: criteria provided, single submitter. Criteria: ICSL Variant Classification Criteria 13 December 2019. Collection method: clinical testing. Allele origin: germline.
Comment: This variant was observed in the ICSL laboratory as part of a predisposition screen in an ostensibly healthy population. It had not been previously curated by ICSL or reported in the Human Gene Mutation Database (HGMD: prior to June 1st, 2018), and was therefore a candidate for classification through an automated scoring system. Utilizing variant allele frequency, disease prevalence and penetrance estimates, and inheritance mode, an automated score was calculated to assess if this variant is too frequent to cause the disease. Based on the score and internal cut-off values, a variant classified as likely benign is not then subjected to further curation. The score for this variant resulted in a classification of likely benign for this disease.

NM_017671.5(FERMT1):c.*266A>C

Gene: FERMT1 (FERM domain containing kindlin 1; minus strand). Cytogenetic location: 20p12.3.
Variant type: single nucleotide variant.
Coding change: c.*266A>C on transcript NM_017671.5 (MANE Select); 266 bases downstream of the stop codon, A replaced by C.
Molecular consequence: 3 prime UTR variant.
Genome position (GRCh38, 1-based): chr20:6,076,907, T>G on the plus strand (A>C on the coding strand, the complement: FERMT1 is on the minus strand). VCF-style: chr20-6076907-T-G. GRCh37 (hg19) VCF-style: chr20-6057554-T-G.
Identifiers: ClinVar variation 339198 (VCV000339198.5), dbSNP rs144550350, ClinGen allele CA10644308.